The following is an entry in ClinVar:

ClinVar aggregate classification (germline): Likely benign. Review status: criteria provided, multiple submitters, no conflicts (2 of 4 stars). 6 submissions from 6 submitters: Likely benign (6). Last evaluated 2026-02-04.

Conditions:
Cardiovascular phenotype. Identifiers: MedGen CN230736.
Osteogenesis imperfecta type I (OI1). Also called: OI, TYPE I; OSTEOGENESIS IMPERFECTA TARDA; OSTEOGENESIS IMPERFECTA WITH BLUE SCLERAE; Osteogenesis imperfecta type 1; Lobstein's Disease; Classic Non-deforming Osteogenesis Imperfecta with Blue Sclerae. Identifiers: Orphanet 216796, Orphanet 666, MedGen C0023931, MONDO:0008146, OMIM 166200. Disease mechanism: loss of function.
COL1A1-related disorder. Also called: COL1A1- related disease; COL1A1-related condition.

Allele frequency attached by ClinVar (database versions not stated): gnomAD 0.00001 and 0.00002; TOPMed 0.00001; gnomAD exomes 0.00003; ExAC 0.00004.
gnomAD v4.1: 55 of 1,612,132 alleles (0.0034%); highest among the groups gnomAD compares: South Asian, 0.031%; no homozygotes.

Submissions (6):

PreventionGenetics, part of Exact Sciences
Classification: Likely benign for COL1A1-related condition. Last evaluated: 2026-02-04. Review status: criteria provided, single submitter. Criteria: ACMG Guidelines, 2015. Collection method: clinical testing. Allele origin: germline.
Comment: This variant is classified as likely benign based on ACMG/AMP sequence variant interpretation guidelines (Richards et al. 2015 PMID: 25741868, with internal and published modifications).

Labcorp Genetics (formerly Invitae), Labcorp
Classification: Likely benign for Osteogenesis imperfecta type I. Last evaluated: 2025-04-17. Review status: criteria provided, single submitter. Criteria: Invitae Variant Classification Sherloc (09022015). Collection method: clinical testing. Allele origin: germline.

CeGaT Center for Human Genetics Tuebingen
Classification: Likely benign. Last evaluated: 2025-04-01. Review status: criteria provided, single submitter. Criteria: CeGaT Center For Human Genetics Tuebingen Variant Classification Criteria Version 2. Collection method: clinical testing. Allele origin: germline. Affected: yes. Observed: 1 variant allele.
Comment: COL1A1: BP4, BP7

Blueprint Genetics
Classification: Likely benign. Last evaluated: 2024-08-12. Review status: criteria provided, single submitter. Criteria: ACMG Guidelines, 2015. Collection method: clinical testing. Allele origin: germline.

Ambry Genetics
Classification: Likely benign for Cardiovascular phenotype. Last evaluated: 2021-04-29. Review status: criteria provided, single submitter. Criteria: Ambry Variant Classification Scheme 2023. Collection method: clinical testing. Allele origin: germline.

GeneDx
Classification: Likely benign. Last evaluated: 2020-07-10. Review status: criteria provided, single submitter. Criteria: GeneDx Variant Classification Process June 2021. Collection method: clinical testing. Allele origin: germline. Affected: yes.

NM_000088.4(COL1A1):c.3013T>C (p.Leu1005=)

Gene: COL1A1 (collagen type I alpha 1 chain; minus strand). Cytogenetic location: 17q21.33.
Variant type: single nucleotide variant.
Coding change: c.3013T>C on transcript NM_000088.4 (MANE Select); coding-DNA position 3013, T replaced by C.
Protein change: p.Leu1005=; no amino-acid change (leucine 1005 retained).
Molecular consequence: synonymous variant.
Genome position (GRCh38, 1-based): chr17:50,188,935, A>G on the plus strand (T>C on the coding strand, the complement: COL1A1 is on the minus strand). VCF-style: chr17-50188935-A-G. GRCh37 (hg19) VCF-style: chr17-48266296-A-G.
Identifiers: ClinVar variation 1203398 (VCV001203398.22), dbSNP rs772060459, ClinGen allele CA8644616.
Genomic context (GRCh38, chr17:50,188,935, plus strand): 5'-ACTGGCATGGGGGCTGGGGACTGCTCACCTCACGTCCAGATTCACCAGGGGGTCCAGCCA[A>G]TCCAGGGGGGCCCATGGGACCAGGGGGACCACGTTCACCACTTGCTCCAGAGGGACCTTG-3'
Protein context (NP_000079.2, residues 995-1015): GPPGPMGPPG[Leu1005=]AGPPGESGRE